The following is an entry in ClinVar:

NM_017636.4(TRPM4):c.2901C>A (p.Phe967Leu)

Gene: TRPM4 (transient receptor potential cation channel subfamily M member 4; plus strand). Cytogenetic location: 19q13.33.
Variant type: single nucleotide variant.
Coding change: c.2901C>A on transcript NM_017636.4 (MANE Select); coding-DNA position 2901, C replaced by A.
Protein change: p.Phe967Leu; replaces phenylalanine 967 with leucine.
Molecular consequence: missense variant.
Genome position (GRCh38, 1-based): chr19:49,200,733, C>A. VCF-style: chr19-49200733-C-A. GRCh37 (hg19) VCF-style: chr19-49703990-C-A.
Other names: c.2466C>A, p.Phe822Leu (NM_001195227.2); c.2556C>A, p.Phe852Leu (NM_001321281.2); c.1293C>A, p.Phe431Leu (NM_001321282.2); c.2379C>A, p.Phe793Leu (NM_001321283.2); c.1839C>A, p.Phe613Leu (NM_001321285.2); short protein forms F852L, F613L, F967L, F793L, F431L, F822L.
Identifiers: ClinVar variation 2162822 (VCV002162822.4), dbSNP rs1968896713, ClinGen allele CA406812085.
Genomic context (GRCh38, chr19:49,200,733, plus strand): 5'-CACGGAGGGGCTCCTGAGGCCACGGGACAGTGACTTCCCAAGTATCCTGCGCCGCGTCTT[C>A]TACCGTCCCTACCTGCAGATCTTCGGGCAGATTCCCCAGGAGGACATGGACGGTAGGGGG-3'
Protein context (NP_060106.2, residues 957-977): SDFPSILRRV[Phe967Leu]YRPYLQIFGQ

ClinVar aggregate classification (germline): Uncertain significance (1 of 4 stars; one submission).

Conditions:
Progressive familial heart block type IB (PFHB1B). Identifiers: Orphanet 871, MedGen C1970298, MONDO:0011474, OMIM 604559.

gnomAD v4.1: 1 of 1,614,134 alleles (0.000062%); highest among the groups gnomAD compares: Non-Finnish European, 0.000085%; no homozygotes.

Submission:

Labcorp Genetics (formerly Invitae), Labcorp
Classification: Uncertain significance for Progressive familial heart block type IB. Last evaluated: 2022-10-17. Review status: criteria provided, single submitter. Criteria: Invitae Variant Classification Sherloc (09022015). Collection method: clinical testing. Allele origin: germline.
Comment: In summary, the available evidence is currently insufficient to determine the role of this variant in disease. Therefore, it has been classified as a Variant of Uncertain Significance. Algorithms developed to predict the effect of missense changes on protein structure and function (SIFT, PolyPhen-2, Align-GVGD) all suggest that this variant is likely to be tolerated. This variant has not been reported in the literature in individuals affected with TRPM4-related conditions. This variant is not present in population databases (gnomAD no frequency). This sequence change replaces phenylalanine, which is neutral and non-polar, with leucine, which is neutral and non-polar, at codon 967 of the TRPM4 protein (p.Phe967Leu).